The following is an entry in ClinVar:

NM_032119.4(ADGRV1):c.5665G>T (p.Val1889Phe)

Gene: ADGRV1 (adhesion G protein-coupled receptor V1; plus strand). Cytogenetic location: 5q14.3.
Variant type: single nucleotide variant.
Coding change: c.5665G>T on transcript NM_032119.4 (MANE Select); coding-DNA position 5665, G replaced by T.
Protein change: p.Val1889Phe; replaces valine 1889 with phenylalanine.
Molecular consequence: missense variant. On other transcripts: non-coding transcript variant (1).
Genome position (GRCh38, 1-based): chr5:90,683,586, G>T. VCF-style: chr5-90683586-G-T. GRCh37 (hg19) VCF-style: chr5-89979403-G-T.
Other names: short protein forms V1889F.
Identifiers: ClinVar variation 1469283 (VCV001469283.7), dbSNP rs760468429, ClinGen allele CA360413121.

ClinVar aggregate classification (germline): Uncertain significance (1 of 4 stars; one submission).

Allele frequency attached by ClinVar (database versions not stated): TOPMed 0.00001.

Submission:

Labcorp Genetics (formerly Invitae), Labcorp
Classification: Uncertain significance. Last evaluated: 2024-10-15. Review status: criteria provided, single submitter. Criteria: Invitae Variant Classification Sherloc (09022015). Collection method: clinical testing. Allele origin: germline.
Comment: This sequence change replaces valine, which is neutral and non-polar, with phenylalanine, which is neutral and non-polar, at codon 1889 of the ADGRV1 protein (p.Val1889Phe). This variant is not present in population databases (gnomAD no frequency). This variant has not been reported in the literature in individuals affected with ADGRV1-related conditions. ClinVar contains an entry for this variant (Variation ID: 1469283). An algorithm developed to predict the effect of missense changes on protein structure and function (PolyPhen-2) suggests that this variant¬†is likely to be tolerated. Algorithms developed to predict the effect of sequence changes on RNA splicing suggest that this variant may disrupt the consensus splice site. In summary, the available evidence is currently insufficient to determine the role of this variant in disease. Therefore, it has been classified as a Variant of Uncertain Significance.